The following is an entry in ClinVar:

ClinVar aggregate classification (germline): Conflicting classifications of pathogenicity. Review status: criteria provided, conflicting classifications (1 of 4 stars). 3 submissions from 3 submitters: Uncertain significance (1); Likely benign (2). Last evaluated 2024-10-31.

Conditions:
Cardiovascular phenotype. Identifiers: MedGen CN230736.
Cardiomyopathy (CMYO). Also called: Cardiomyopathies. Identifiers: Orphanet 167848, MedGen C0878544, MONDO:0004994, HP:0001638. Inheritance: Various modes of inheritance.
Arrhythmogenic right ventricular dysplasia 10. Also called: Arrhythmogenic right ventricular dysplasia/cardiomyopathy, type 10; ARRHYTHMOGENIC RIGHT VENTRICULAR DYSPLASIA, FAMILIAL, 10; Arrhythmogenic Right Ventricular Dysplasia/Cardiomyopathy10. Identifiers: MedGen C1857777, MONDO:0012434, OMIM 610193.

Allele frequency attached by ClinVar (database versions not stated): gnomAD exomes below 0.00001; gnomAD 0.00001; TOPMed 0.00003.

Submissions (3):

Labcorp Genetics (formerly Invitae), Labcorp
Classification: Uncertain significance for Arrhythmogenic right ventricular dysplasia 10. Last evaluated: 2024-10-31. Review status: criteria provided, single submitter. Criteria: Invitae Variant Classification Sherloc (09022015). Collection method: clinical testing. Allele origin: germline.
Comment: This sequence change replaces methionine, which is neutral and non-polar, with valine, which is neutral and non-polar, at codon 1069 of the DSG2 protein (p.Met1069Val). This variant is not present in population databases (gnomAD no frequency). This variant has not been reported in the literature in individuals affected with DSG2-related conditions. ClinVar contains an entry for this variant (Variation ID: 835905). Invitae Evidence Modeling of protein sequence and biophysical properties (such as structural, functional, and spatial information, amino acid conservation, physicochemical variation, residue mobility, and thermodynamic stability) indicates that this missense variant is not expected to disrupt DSG2 protein function with a negative predictive value of 95%. In summary, the available evidence is currently insufficient to determine the role of this variant in disease. Therefore, it has been classified as a Variant of Uncertain Significance.

Color Diagnostics, LLC DBA Color Health
Classification: Likely benign for Cardiomyopathy. Last evaluated: 2024-08-29. Review status: criteria provided, single submitter. Criteria: ACMG Guidelines, 2015. Collection method: clinical testing. Allele origin: germline.

Ambry Genetics
Classification: Likely benign for Cardiovascular phenotype. Last evaluated: 2023-12-04. Review status: criteria provided, single submitter. Criteria: Ambry Variant Classification Scheme 2023. Collection method: clinical testing. Allele origin: germline.

Literature cited by the submitters: PubMed 33762593 (cited by Ambry Genetics).

NM_001943.5(DSG2):c.3205A>G (p.Met1069Val)

Genes: DSG2 (desmoglein 2; plus strand), DSG2-AS1 (DSG2 antisense RNA 1; minus strand). Cytogenetic location: 18q12.1.
Variant type: single nucleotide variant.
Coding change: c.3205A>G on transcript NM_001943.5 (MANE Select); coding-DNA position 3205, A replaced by G.
Protein change: p.Met1069Val; replaces methionine 1069 with valine.
Molecular consequence: missense variant.
Genome position (GRCh38, 1-based): chr18:31,546,591, A>G. VCF-style: chr18-31546591-A-G. GRCh37 (hg19) VCF-style: chr18-29126554-A-G.
Other names: short protein forms M1069V.
Identifiers: ClinVar variation 835905 (VCV000835905.10), dbSNP rs1024370144, ClinGen allele CA297702604.